The following is an entry in ClinVar:

ClinVar aggregate classification (germline): Uncertain significance (1 of 4 stars; one submission).

Conditions:
Polyglucosan body myopathy type 1 (PGBM1). Also called: Polyglucosan body myopathy 1 with or without immunodeficiency; POLYGLUCOSAN BODY MYOPATHY WITHOUT IMMUNODEFICIENCY. Identifiers: Orphanet 329173, Orphanet 397937, MedGen C4014605, MONDO:0014389, OMIM 615895.

Submission:

Labcorp Genetics (formerly Invitae), Labcorp
Classification: Uncertain significance for Polyglucosan body myopathy 1 with or without immunodeficiency. Last evaluated: 2018-12-22. Review status: criteria provided, single submitter. Criteria: Invitae Variant Classification Sherloc (09022015). Collection method: clinical testing. Allele origin: germline.
Comment: This variant results in a copy number gain of the genomic region encompassing the full coding sequence of the RBCK1 gene. The boundaries of this event are unknown as they extend beyond the assayed region for this gene and therefore may encompass additional genes. As the precise location of this event is unknown, it may be in tandem or it may be located elsewhere in the genome. This variant has not been reported in the literature in individuals with RBCK1-related conditions. In summary, the available evidence is currently insufficient to determine the role of this variant in disease. Therefore, it has been classified as a Variant of Uncertain Significance.

NC_000020.10:g.(?_389363)_(411094_?)dup

Genes: RBCK1 (RANBP2-type and C3HC4-type zinc finger containing 1; plus strand), LOC130065264 (ATAC-STARR-seq lymphoblastoid silent region 12576; plus strand). Cytogenetic location: 20p13.
Variant type: Duplication.
Identifiers: ClinVar variation 645870 (VCV000645870.2).